The following is an entry in ClinVar:

ClinVar aggregate classification (germline): Likely pathogenic (1 of 4 stars; one submission).

Submission:

Mayo Clinic Laboratories, Mayo Clinic
Classification: Likely pathogenic. Last evaluated: 2024-02-15. Review status: criteria provided, single submitter. Criteria: ACMG Guidelines, 2015. Collection method: clinical testing. Allele origin: germline. Observed: 1 variant allele.
Comment: PM2_moderate, PS3_moderate, PS4_moderate

Literature cited by the submitters: PubMed 29296726; PubMed 31649737; PubMed 32166871.

NM_000132.4(F8):c.602-10T>G

Gene: F8 (coagulation factor VIII; minus strand). Cytogenetic location: Xq28.
Variant type: single nucleotide variant.
Coding change: c.602-10T>G on transcript NM_000132.4 (MANE Select); 10 bases into the intron before coding-DNA position 602, T replaced by G.
Molecular consequence: intron variant.
Genome position (GRCh38, 1-based): chrX:154,987,315, A>C on the plus strand (T>G on the coding strand, the complement: F8 is on the minus strand). VCF-style: chrX-154987315-A-C. GRCh37 (hg19) VCF-style: chrX-154215590-A-C.
Other names: p.?.
Identifiers: ClinVar variation 3380943 (VCV003380943.1).
Genomic context (GRCh38, chrX:154,987,315, plus strand): 5'-AAAGTAGTATAAATTTGTGCAAGGTCTGTGTCTTTTCCTTGGCCAGACTCCCTGAAAAAG[A>C]AGTGAGAACATTTATCTTCTATTTAAAAAATCTCATTGTAGGAAATTGTCACTAGGAGGA-3'